The following is an entry in ClinVar:

ClinVar aggregate classification (germline): Uncertain significance (1 of 4 stars; one submission).

Conditions:
Brachyolmia-amelogenesis imperfecta syndrome. Also called: PLATYSPONDYLY WITH AMELOGENESIS IMPERFECTA; Tooth agenesis, selective, 6; Dental anomalies and short stature. Identifiers: Orphanet 2899, MedGen C1832594, MONDO:0011018, OMIM 601216. Disease mechanism: loss of function.

Submission:

Labcorp Genetics (formerly Invitae), Labcorp
Classification: Uncertain significance for Brachyolmia-amelogenesis imperfecta syndrome. Last evaluated: 2024-03-28. Review status: criteria provided, single submitter. Criteria: Invitae Variant Classification Sherloc (09022015). Collection method: clinical testing. Allele origin: germline.
Comment: This sequence change replaces alanine, which is neutral and non-polar, with proline, which is neutral and non-polar, at codon 990 of the LTBP3 protein (p.Ala990Pro). This variant is not present in population databases (gnomAD no frequency). This variant has not been reported in the literature in individuals affected with LTBP3-related conditions. An algorithm developed to predict the effect of missense changes on protein structure and function (PolyPhen-2) suggests that this variant is likely to be tolerated. In summary, the available evidence is currently insufficient to determine the role of this variant in disease. Therefore, it has been classified as a Variant of Uncertain Significance.

NM_001130144.3(LTBP3):c.2968G>C (p.Ala990Pro)

Genes: LTBP3 (latent transforming growth factor beta binding protein 3; minus strand), LOC121832793 (Sharpr-MPRA regulatory region 4001; plus strand). Cytogenetic location: 11q13.1.
Variant type: single nucleotide variant.
Coding change: c.2968G>C on transcript NM_001130144.3 (MANE Select); coding-DNA position 2968, G replaced by C.
Protein change: p.Ala990Pro; replaces alanine 990 with proline.
Molecular consequence: missense variant.
Genome position (GRCh38, 1-based): chr11:65,540,880, C>G on the plus strand (G>C on the coding strand, the complement: LTBP3 is on the minus strand). VCF-style: chr11-65540880-C-G. GRCh37 (hg19) VCF-style: chr11-65308351-C-G.
Other names: c.2968G>C, p.Ala990Pro (NM_021070.4); c.2617G>C, p.Ala873Pro (NM_001164266.1); short protein forms A873P, A990P.
Identifiers: ClinVar variation 3647956 (VCV003647956.2).